The following is an entry in ClinVar:

NM_005559.4(LAMA1):c.2560A>C (p.Asn854His)

Gene: LAMA1 (laminin subunit alpha 1; minus strand). Cytogenetic location: 18p11.31.
Variant type: single nucleotide variant.
Coding change: c.2560A>C on transcript NM_005559.4 (MANE Select); coding-DNA position 2560, A replaced by C.
Protein change: p.Asn854His; replaces asparagine 854 with histidine.
Molecular consequence: missense variant.
Genome position (GRCh38, 1-based): chr18:7,023,305, T>G on the plus strand (A>C on the coding strand, the complement: LAMA1 is on the minus strand). VCF-style: chr18-7023305-T-G. GRCh37 (hg19) VCF-style: chr18-7023304-T-G.
Other names: short protein forms N854H.
Identifiers: ClinVar variation 2085638 (VCV002085638.7), dbSNP rs145417931, ClinGen allele CA8882602.
Genomic context (GRCh38, chr18:7,023,305, plus strand): 5'-GGCACTTCAGGCACTCCCCGGTGACTGAGTCACAGTGACCAGCCTCCGAGGGGTCCACGT[T>G]GCCGCTGCAGTCACAGGGAACACAAGATTCGCCAGGCACTGTTGGGTTTCCATAGTAACC-3'
Protein context (NP_005550.2, residues 844-864): ESCVPCDCSG[Asn854His]VDPSEAGHCD

ClinVar aggregate classification (germline): Uncertain significance. Review status: criteria provided, multiple submitters, no conflicts (2 of 4 stars). 4 submissions from 4 submitters: Uncertain significance (4). Last evaluated 2026-05-27.

Conditions:
Inborn genetic diseases. Identifiers: MedGen C0950123, MeSH D030342.

Allele frequency attached by ClinVar (database versions not stated): ExAC 0.00006; gnomAD 0.00018; 1000 Genomes Project 0.00020; TOPMed 0.00020; ESP Exome Variant Server 0.00023; 1000 Genomes Project 30x 0.00031.
gnomAD v4.1: 76 of 1,614,142 alleles (0.0047%); highest among the groups gnomAD compares: African/African-American, 0.088%; no homozygotes.

Submissions (4):

GeneDx
Classification: Uncertain significance. Last evaluated: 2026-05-27. Review status: criteria provided, single submitter. Criteria: GeneDx Variant Classification Process June 2021. Collection method: clinical testing. Allele origin: germline.
Comment: In silico analysis supports that this missense variant has a deleterious effect on protein structure/function; Has not been previously published as pathogenic or benign to our knowledge

Ambry Genetics
Classification: Uncertain significance for Inborn genetic diseases. Last evaluated: 2025-06-06. Review status: criteria provided, single submitter. Criteria: Ambry Variant Classification Scheme 2023. Collection method: clinical testing. Allele origin: germline.

Blueprint Genetics
Classification: Uncertain significance. Last evaluated: 2022-12-21. Review status: criteria provided, single submitter. Criteria: ACMG Guidelines, 2015. Collection method: clinical testing. Allele origin: germline.

Labcorp Genetics (formerly Invitae), Labcorp
Classification: Uncertain significance. Last evaluated: 2022-09-01. Review status: criteria provided, single submitter. Criteria: Invitae Variant Classification Sherloc (09022015). Collection method: clinical testing. Allele origin: germline.
Comment: This variant is present in population databases (rs145417931, gnomAD 0.06%). This variant has not been reported in the literature in individuals affected with LAMA1-related conditions. Algorithms developed to predict the effect of missense changes on protein structure and function are either unavailable or do not agree on the potential impact of this missense change (SIFT: "Deleterious"; PolyPhen-2: "Probably Damaging"; Align-GVGD: "Class C0"). In summary, the available evidence is currently insufficient to determine the role of this variant in disease. Therefore, it has been classified as a Variant of Uncertain Significance. This sequence change replaces asparagine, which is neutral and polar, with histidine, which is basic and polar, at codon 854 of the LAMA1 protein (p.Asn854His).